The following is an entry in ClinVar:

NM_030957.4(ADAMTS10):c.983G>A (p.Gly328Asp)

Gene: ADAMTS10 (ADAM metallopeptidase with thrombospondin type 1 motif 10; minus strand). Cytogenetic location: 19p13.2.
Variant type: single nucleotide variant.
Coding change: c.983G>A on transcript NM_030957.4 (MANE Select); coding-DNA position 983, G replaced by A.
Protein change: p.Gly328Asp; replaces glycine 328 with aspartic acid.
Molecular consequence: missense variant.
Genome position (GRCh38, 1-based): chr19:8,597,044, C>T on the plus strand (G>A on the coding strand, the complement: ADAMTS10 is on the minus strand). VCF-style: chr19-8597044-C-T. GRCh37 (hg19) VCF-style: chr19-8661928-C-T.
Other names: short protein forms G328D.
Identifiers: ClinVar variation 1518787 (VCV001518787.8), dbSNP rs2042613217, ClinGen allele CA403756002.

ClinVar aggregate classification (germline): Uncertain significance (1 of 4 stars; one submission).

Allele frequency attached by ClinVar (database versions not stated): gnomAD 0.00001.
gnomAD v4.1: 1 of 1,614,034 alleles (0.000062%); highest among the groups gnomAD compares: Non-Finnish European, 0.000085%; no homozygotes.

Submission:

Labcorp Genetics (formerly Invitae), Labcorp
Classification: Uncertain significance. Last evaluated: 2021-03-23. Review status: criteria provided, single submitter. Criteria: Invitae Variant Classification Sherloc (09022015). Collection method: clinical testing. Allele origin: germline.
Comment: In summary, the available evidence is currently insufficient to determine the role of this variant in disease. Therefore, it has been classified as a Variant of Uncertain Significance. Algorithms developed to predict the effect of missense changes on protein structure and function are either unavailable or do not agree on the potential impact of this missense change (SIFT: "Deleterious"; PolyPhen-2: "Probably Damaging"; Align-GVGD: "Class C15"). This variant has not been reported in the literature in individuals with ADAMTS10-related conditions. This variant is not present in population databases (ExAC no frequency). This sequence change replaces glycine with aspartic acid at codon 328 of the ADAMTS10 protein (p.Gly328Asp). The glycine residue is highly conserved and there is a moderate physicochemical difference between glycine and aspartic acid.